The following is an entry in ClinVar:

NM_005477.3(HCN4):c.335G>C (p.Gly112Ala)

Gene: HCN4 (hyperpolarization activated cyclic nucleotide gated potassium channel 4; minus strand). Cytogenetic location: 15q24.1.
Variant type: single nucleotide variant.
Coding change: c.335G>C on transcript NM_005477.3 (MANE Select); coding-DNA position 335, G replaced by C.
Protein change: p.Gly112Ala; replaces glycine 112 with alanine.
Molecular consequence: missense variant.
Genome position (GRCh38, 1-based): chr15:73,367,936, C>G on the plus strand (G>C on the coding strand, the complement: HCN4 is on the minus strand). VCF-style: chr15-73367936-C-G. GRCh37 (hg19) VCF-style: chr15-73660277-C-G.
Other names: short protein forms G112A.
Identifiers: ClinVar variation 642300 (VCV000642300.9), dbSNP rs1595837506, ClinGen allele CA393098342.

ClinVar aggregate classification (germline): Uncertain significance. Review status: criteria provided, multiple submitters, no conflicts (2 of 4 stars). 2 submissions from 2 submitters: Uncertain significance (2). Last evaluated 2023-12-15.

Conditions:
Cardiovascular phenotype. Identifiers: MedGen CN230736.
Brugada syndrome 8 (BRGDA8). Identifiers: Orphanet 130, MedGen C2751083, MONDO:0013148, OMIM 613123.

Allele frequency attached by ClinVar (database versions not stated): TOPMed below 0.00001.

Submissions (2):

Ambry Genetics
Classification: Uncertain significance for Cardiovascular phenotype. Last evaluated: 2023-12-15. Review status: criteria provided, single submitter. Criteria: Ambry Variant Classification Scheme 2023. Collection method: clinical testing. Allele origin: germline.
Comment: The p.G112A variant (also known as c.335G>C), located in coding exon 1 of the HCN4 gene, results from a G to C substitution at nucleotide position 335. The glycine at codon 112 is replaced by alanine, an amino acid with similar properties. This amino acid position is conserved. In addition, this alteration is predicted to be tolerated by in silico analysis. Since supporting evidence is limited at this time, the clinical significance of this alteration remains unclear.

Labcorp Genetics (formerly Invitae), Labcorp
Classification: Uncertain significance for Brugada syndrome 8. Last evaluated: 2022-10-13. Review status: criteria provided, single submitter. Criteria: Invitae Variant Classification Sherloc (09022015). Collection method: clinical testing. Allele origin: germline.
Comment: This sequence change replaces glycine, which is neutral and non-polar, with alanine, which is neutral and non-polar, at codon 112 of the HCN4 protein (p.Gly112Ala). In summary, the available evidence is currently insufficient to determine the role of this variant in disease. Therefore, it has been classified as a Variant of Uncertain Significance. Advanced modeling of protein sequence and biophysical properties (such as structural, functional, and spatial information, amino acid conservation, physicochemical variation, residue mobility, and thermodynamic stability) performed at Invitae indicates that this missense variant is not expected to disrupt HCN4 protein function. ClinVar contains an entry for this variant (Variation ID: 642300). This variant has not been reported in the literature in individuals affected with HCN4-related conditions. This variant is not present in population databases (gnomAD no frequency).